The following is an entry in ClinVar:

ClinVar aggregate classification (germline): Uncertain significance. Review status: criteria provided, multiple submitters, no conflicts (2 of 4 stars). 3 submissions from 3 submitters: Uncertain significance (3). Last evaluated 2026-02-13.

Conditions:
CPLX1-related disorder. Also called: CPLX1-related condition.
Inborn genetic diseases. Identifiers: MedGen C0950123, MeSH D030342.

Allele frequency attached by ClinVar (database versions not stated): gnomAD exomes 0.00003 and 0.00004; ExAC 0.00005; gnomAD 0.00028; 1000 Genomes Project 30x 0.00062; TOPMed 0.00064; 1000 Genomes Project 0.00080.
gnomAD v4.1: 65 of 1,611,998 alleles (0.004%); highest among the groups gnomAD compares: Admixed American, 0.09%; no homozygotes.

Submissions (3):

PreventionGenetics, part of Exact Sciences
Classification: Uncertain significance for CPLX1-related condition. Last evaluated: 2026-02-13. Review status: criteria provided, single submitter. Criteria: ACMG Guidelines, 2015. Collection method: clinical testing. Allele origin: germline.
Comment: The CPLX1 c.311G>A variant is predicted to result in the amino acid substitution p.Gly104Asp. To our knowledge, this variant has not been reported in the literature. This variant is reported in 0.020% of alleles in individuals of Latino descent in gnomAD. At this time, the clinical significance of this variant is uncertain due to the absence of conclusive functional and genetic evidence.

Ambry Genetics
Classification: Uncertain significance for Inborn genetic diseases. Last evaluated: 2024-11-08. Review status: criteria provided, single submitter. Criteria: Ambry Variant Classification Scheme 2023. Collection method: clinical testing. Allele origin: germline.

Labcorp Genetics (formerly Invitae), Labcorp
Classification: Uncertain significance. Last evaluated: 2022-10-13. Review status: criteria provided, single submitter. Criteria: Invitae Variant Classification Sherloc (09022015). Collection method: clinical testing. Allele origin: germline.
Comment: This sequence change replaces glycine, which is neutral and non-polar, with aspartic acid, which is acidic and polar, at codon 104 of the CPLX1 protein (p.Gly104Asp). This variant is present in population databases (rs562631127, gnomAD 0.02%). This variant has not been reported in the literature in individuals affected with CPLX1-related conditions. ClinVar contains an entry for this variant (Variation ID: 1411489). Algorithms developed to predict the effect of missense changes on protein structure and function (SIFT, PolyPhen-2, Align-GVGD) all suggest that this variant is likely to be disruptive. In summary, the available evidence is currently insufficient to determine the role of this variant in disease. Therefore, it has been classified as a Variant of Uncertain Significance.

NM_006651.4(CPLX1):c.311G>A (p.Gly104Asp)

Gene: CPLX1 (complexin 1; minus strand). Cytogenetic location: 4p16.3.
Variant type: single nucleotide variant.
Coding change: c.311G>A on transcript NM_006651.4 (MANE Select); coding-DNA position 311, G replaced by A.
Protein change: p.Gly104Asp; replaces glycine 104 with aspartic acid.
Molecular consequence: missense variant.
Genome position (GRCh38, 1-based): chr4:786,595, C>T on the plus strand (G>A on the coding strand, the complement: CPLX1 is on the minus strand). VCF-style: chr4-786595-C-T. GRCh37 (hg19) VCF-style: chr4-780383-C-T.
Other names: c.311G>A (NM_006651.3); short protein forms G104D.
Identifiers: ClinVar variation 1411489 (VCV001411489.5), dbSNP rs562631127, ClinGen allele CA2796908.